The following is an entry in ClinVar:

ClinVar aggregate classification (germline): Likely benign. Review status: criteria provided, multiple submitters, no conflicts (2 of 4 stars). 3 submissions from 3 submitters: Likely benign (3). Last evaluated 2026-08-01.

Conditions:
Hereditary spastic paraplegia 7 (SPG7). Also called: SPG7-related neurologic disorder; Spastic paraplegia 7; Hereditary spastic paraplegia Paraplegin type; Autosomal recessive spastic paraplegia type 7; SPASTIC PARAPLEGIA 7, AUTOSOMAL RECESSIVE, WITH OR WITHOUT CEREBELLAR ATAXIA. Identifiers: Orphanet 99013, MedGen C1846564, MONDO:0011803, OMIM 607259.

Allele frequency attached by ClinVar (database versions not stated): 1000 Genomes Project 30x 0.00016.
gnomAD v4.1: 58 of 1,614,104 alleles (0.0036%); highest among the groups gnomAD compares: East Asian, 0.0045%; no homozygotes.

Submissions (3):

CeGaT Center for Human Genetics Tuebingen
Classification: Likely benign. Last evaluated: 2026-08-01. Review status: criteria provided, single submitter. Criteria: CeGaT Center For Human Genetics Tuebingen Variant Classification Criteria Version 2. Collection method: clinical testing. Allele origin: germline. Affected: yes. Observed: 1 variant allele.
Comment: SPG7: BP4, BP7

Blueprint Genetics
Classification: Likely benign. Last evaluated: 2023-07-11. Review status: criteria provided, single submitter. Criteria: ACMG Guidelines, 2015. Collection method: clinical testing. Allele origin: germline.

Labcorp Genetics (formerly Invitae), Labcorp
Classification: Likely benign for Hereditary spastic paraplegia 7. Last evaluated: 2022-07-18. Review status: criteria provided, single submitter. Criteria: Invitae Variant Classification Sherloc (09022015). Collection method: clinical testing. Allele origin: germline.

NM_003119.4(SPG7):c.705C>T (p.Ile235=)

Gene: SPG7 (SPG7 matrix AAA peptidase subunit, paraplegin; plus strand). Cytogenetic location: 16q24.3.
Variant type: single nucleotide variant.
Coding change: c.705C>T on transcript NM_003119.4 (MANE Select); coding-DNA position 705, C replaced by T.
Protein change: p.Ile235=; no amino-acid change (isoleucine 235 retained).
Molecular consequence: synonymous variant.
Genome position (GRCh38, 1-based): chr16:89,526,415, C>T. VCF-style: chr16-89526415-C-T. GRCh37 (hg19) VCF-style: chr16-89592823-C-T.
Other names: c.705C>T, p.Ile235= (NM_001363850.1, NM_199367.3).
Identifiers: ClinVar variation 1653754 (VCV001653754.10), dbSNP rs115244515, ClinGen allele CA8243740.